The following is an entry in ClinVar:

NM_201384.3(PLEC):c.4445C>G (p.Ala1482Gly)

Gene: PLEC (plectin; minus strand). Cytogenetic location: 8q24.3.
Variant type: single nucleotide variant.
Coding change: c.4445C>G on transcript NM_201384.3 (MANE Select); coding-DNA position 4445, C replaced by G.
Protein change: p.Ala1482Gly; replaces alanine 1482 with glycine.
Molecular consequence: missense variant.
Genome position (GRCh38, 1-based): chr8:143,925,484, G>C on the plus strand (C>G on the coding strand, the complement: PLEC is on the minus strand). VCF-style: chr8-143925484-G-C. GRCh37 (hg19) VCF-style: chr8-144999652-G-C.
Other names: c.4526C>G, p.Ala1509Gly (NM_000445.5); c.4403C>G, p.Ala1468Gly (NM_201378.4); c.4379C>G, p.Ala1460Gly (NM_201379.3); c.4856C>G, p.Ala1619Gly (NM_201380.4); c.4349C>G, p.Ala1450Gly (NM_201381.3); c.4445C>G, p.Ala1482Gly (NM_201382.4); c.4457C>G, p.Ala1486Gly (NM_201383.3); short protein forms A1460G, A1468G, A1619G, A1450G, A1509G, A1482G, A1486G.
Identifiers: ClinVar variation 1951569 (VCV001951569.5), dbSNP rs368728018, ClinGen allele CA372556939.

ClinVar aggregate classification (germline): Uncertain significance (1 of 4 stars; one submission).

Conditions:
Epidermolysis bullosa simplex 5B, with muscular dystrophy (EBS5B). Also called: Epidermolysis bullosa simplex with muscular dystrophy; EPIDERMOLYSIS BULLOSA SIMPLEX AND LIMB-GIRDLE MUSCULAR DYSTROPHY. Identifiers: Orphanet 257, MedGen C2931072, MONDO:0009181, OMIM 226670.
Epidermolysis bullosa simplex, Ogna type (EBS5A). Also called: Pidermolysis bullosa simplex 5A, Ogna type; EPIDERMOLYSIS BULLOSA SIMPLEX 5A, OGNA TYPE. Identifiers: Orphanet 79401, MedGen C0432317, MONDO:0007555, OMIM 131950.
Epidermolysis bullosa simplex with nail dystrophy (EBS5D). Identifiers: MedGen C4225309, MONDO:0014661, OMIM 616487.
Epidermolysis bullosa simplex 5C, with pyloric atresia (EBS5C). Also called: PLEC1-Related Epidermolysis Bullosa with Pyloric Atresia; PLEC-Related Epidermolysis Bullosa with Pyloric Atresia; Epidermolysis bullosa simplex with pyloric atresia. Identifiers: Orphanet 158684, MedGen C2677349, MONDO:0012807, OMIM 612138.
Autosomal recessive limb-girdle muscular dystrophy type 2Q (LGMDR17). Also called: MUSCULAR DYSTROPHY, LIMB-GIRDLE, AUTOSOMAL RECESSIVE 17. Identifiers: Orphanet 254361, MedGen C3150989, MONDO:0013390, OMIM 613723.

gnomAD v4.1: 2 of 1,595,988 alleles (0.00013%); highest among the groups gnomAD compares: Non-Finnish European, 0.00017%; no homozygotes.

Submission:

Labcorp Genetics (formerly Invitae), Labcorp
Classification: Uncertain significance for Autosomal recessive limb-girdle muscular dystrophy type 2Q; Epidermolysis bullosa simplex, Ogna type; Epidermolysis bullosa simplex with nail dystrophy; Epidermolysis bullosa simplex 5C, with pyloric atresia; Epidermolysis bullosa simplex 5B, with muscular dystrophy. Last evaluated: 2022-01-22. Review status: criteria provided, single submitter. Criteria: Invitae Variant Classification Sherloc (09022015). Collection method: clinical testing. Allele origin: germline.
Comment: In summary, the available evidence is currently insufficient to determine the role of this variant in disease. Therefore, it has been classified as a Variant of Uncertain Significance. Algorithms developed to predict the effect of missense changes on protein structure and function are either unavailable or do not agree on the potential impact of this missense change (SIFT: "Deleterious"; PolyPhen-2: "Not Available"; Align-GVGD: "Class C55"). This variant has not been reported in the literature in individuals affected with PLEC-related conditions. This variant is not present in population databases (gnomAD no frequency). This sequence change replaces alanine, which is neutral and non-polar, with glycine, which is neutral and non-polar, at codon 1509 of the PLEC protein (p.Ala1509Gly).